The following is an entry in ClinVar:

ClinVar aggregate classification (germline): Uncertain significance. Review status: criteria provided, multiple submitters, no conflicts (2 of 4 stars). 4 submissions from 4 submitters: Uncertain significance (4). Last evaluated 2025-12-10.

Conditions:
Hereditary cancer-predisposing syndrome. Also called: Neoplastic Syndromes, Hereditary; Tumor predisposition; Hereditary Cancer Syndrome; Hereditary neoplastic syndrome. Identifiers: Orphanet 140162, MedGen C0027672, MeSH D009386, MONDO:0015356.
Intellectual disability, autosomal dominant 16 (CSS4). Also called: COFFIN-SIRIS SYNDROME 4. Identifiers: Orphanet 1465, MedGen C3553249, MONDO:0013821, OMIM 614609.
Rhabdoid tumor predisposition syndrome 2 (RTPS2). Identifiers: Orphanet 231108, Orphanet 69077, MedGen C2750074, MONDO:0013224, OMIM 613325.

Allele frequency attached by ClinVar (database versions not stated): gnomAD exomes below 0.00001 and 0.00001; ExAC 0.00002; TOPMed 0.00002.
gnomAD v4.1: 3 of 1,614,108 alleles (0.00019%); highest among the groups gnomAD compares: Non-Finnish European, 0.00025%; no homozygotes.

Submissions (4):

Labcorp Genetics (formerly Invitae), Labcorp
Classification: Uncertain significance for Rhabdoid tumor predisposition syndrome 2. Last evaluated: 2025-12-10. Review status: criteria provided, single submitter. Criteria: Invitae Variant Classification Sherloc (09022015). Collection method: clinical testing. Allele origin: germline.
Comment: This sequence change replaces lysine, which is basic and polar, with glutamic acid, which is acidic and polar, at codon 744 of the SMARCA4 protein (p.Lys744Glu). This variant is present in population databases (rs771723542, gnomAD 0.0009%). This variant has not been reported in the literature in individuals affected with SMARCA4-related conditions. ClinVar contains an entry for this variant (Variation ID: 484836). Invitae Evidence Modeling of protein sequence and biophysical properties (such as structural, functional, and spatial information, amino acid conservation, physicochemical variation, residue mobility, and thermodynamic stability) indicates that this missense variant is not expected to disrupt SMARCA4 protein function with a negative predictive value of 95%. In summary, the available evidence is currently insufficient to determine the role of this variant in disease. Therefore, it has been classified as a Variant of Uncertain Significance.

Ambry Genetics
Classification: Uncertain significance for Hereditary cancer-predisposing syndrome. Last evaluated: 2025-03-03. Review status: criteria provided, single submitter. Criteria: Ambry Variant Classification Scheme 2023. Collection method: clinical testing. Allele origin: germline.
Comment: The p.K744E variant (also known as c.2230A>G), located in coding exon 14 of the SMARCA4 gene, results from an A to G substitution at nucleotide position 2230. The lysine at codon 744 is replaced by glutamic acid, an amino acid with similar properties. This variant has been detected in multiple individuals with no reported features of Coffin-Siris syndrome (Ambry internal data). This amino acid position is highly conserved in available vertebrate species. In addition, the in silico prediction for this alteration is inconclusive. Based on the supporting evidence, the association of this alteration with rhabdoid tumor predisposition syndrome is unknown; however, the association of this alteration with Coffin-Siris syndrome is unlikely.

GeneDx
Classification: Uncertain significance. Last evaluated: 2023-11-13. Review status: criteria provided, single submitter. Criteria: GeneDx Variant Classification Process June 2021. Collection method: clinical testing. Allele origin: germline. Affected: yes.
Comment: In silico analysis supports that this missense variant does not alter protein structure/function; Has not been previously published as pathogenic or benign to our knowledge

Genome-Nilou Lab
Classification: Uncertain significance for Intellectual disability, autosomal dominant 16. Last evaluated: 2021-07-15. Review status: criteria provided, single submitter. Criteria: ACMG Guidelines, 2015. Collection method: clinical testing. Allele origin: germline. Affected: no.

NM_003072.5(SMARCA4):c.2230A>G (p.Lys744Glu)

Gene: SMARCA4 (SWI/SNF related BAF chromatin remodeling complex subunit ATPase 4; plus strand). Cytogenetic location: 19p13.2.
Variant type: single nucleotide variant.
Coding change: c.2230A>G on transcript NM_003072.5 (MANE Select); coding-DNA position 2230, A replaced by G.
Protein change: p.Lys744Glu; replaces lysine 744 with glutamic acid.
Molecular consequence: missense variant. On other transcripts: non-coding transcript variant (1).
Genome position (GRCh38, 1-based): chr19:11,010,487, A>G. VCF-style: chr19-11010487-A-G. GRCh37 (hg19) VCF-style: chr19-11121163-A-G.
Other names: c.2230A>G, p.Lys744Glu (NM_001128844.3, NM_001128845.2, NM_001128846.2 and 5 more transcripts); short protein forms K744E.
Identifiers: ClinVar variation 484836 (VCV000484836.21), dbSNP rs771723542, ClinGen allele CA9204038.